The following is an entry in ClinVar:

NM_001378030.1(CCDC78):c.1230G>A (p.Leu410=)

Gene: CCDC78 (coiled-coil domain containing 78; minus strand). Cytogenetic location: 16p13.3.
Variant type: single nucleotide variant.
Coding change: c.1230G>A on transcript NM_001378030.1 (MANE Select); coding-DNA position 1230, G replaced by A.
Protein change: p.Leu410=; no amino-acid change (leucine 410 retained).
Molecular consequence: synonymous variant. On other transcripts: missense variant (1), non-coding transcript variant (5).
Genome position (GRCh38, 1-based): chr16:722,993, C>T on the plus strand (G>A on the coding strand, the complement: CCDC78 is on the minus strand). VCF-style: chr16-722993-C-T. GRCh37 (hg19) VCF-style: chr16-772993-C-T.
Other names: c.1226G>A, p.Cys409Tyr (NM_001031737.3); c.1050G>A, p.Leu350= (NM_001378031.1); c.663G>A, p.Leu221= (NM_001378033.1); short protein forms C409Y.
Identifiers: ClinVar variation 1063060 (VCV001063060.7), dbSNP rs768794447, ClinGen allele CA7789110.

ClinVar aggregate classification (germline): Uncertain significance (1 of 4 stars; one submission).

Conditions:
Congenital myopathy with internal nuclei and atypical cores. Also called: Myopathy, centronuclear, 4. Identifiers: Orphanet 319160, MedGen C4707232, MONDO:0013890, OMIM 614807.

Allele frequency attached by ClinVar (database versions not stated): gnomAD exomes 0.00001 and 0.00003; ExAC 0.00002.
gnomAD v4.1: 7 of 1,612,500 alleles (0.00043%); highest among the groups gnomAD compares: Admixed American, 0.01%; no homozygotes.

Submission:

Labcorp Genetics (formerly Invitae), Labcorp
Classification: Uncertain significance for Congenital myopathy with internal nuclei and atypical cores. Last evaluated: 2022-09-14. Review status: criteria provided, single submitter. Criteria: Invitae Variant Classification Sherloc (09022015). Collection method: clinical testing. Allele origin: germline.
Comment: This sequence change replaces cysteine, which is neutral and slightly polar, with tyrosine, which is neutral and polar, at codon 409 of the CCDC78 protein (p.Cys409Tyr). This variant is present in population databases (rs768794447, gnomAD 0.02%). This variant has not been reported in the literature in individuals affected with CCDC78-related conditions. ClinVar contains an entry for this variant (Variation ID: 1063060). Advanced modeling of protein sequence and biophysical properties (such as structural, functional, and spatial information, amino acid conservation, physicochemical variation, residue mobility, and thermodynamic stability) performed at Invitae indicates that this missense variant is not expected to disrupt CCDC78 protein function. In summary, the available evidence is currently insufficient to determine the role of this variant in disease. Therefore, it has been classified as a Variant of Uncertain Significance.